The following is an entry in ClinVar:

NM_000059.4(BRCA2):c.6953G>T (p.Arg2318Leu)

Gene: BRCA2 (BRCA2 DNA repair associated; plus strand). Cytogenetic location: 13q13.1.
Variant type: single nucleotide variant.
Coding change: c.6953G>T on transcript NM_000059.4 (MANE Select); coding-DNA position 6953, G replaced by T.
Protein change: p.Arg2318Leu; replaces arginine 2318 with leucine.
Molecular consequence: missense variant. On other transcripts: non-coding transcript variant (1).
Genome position (GRCh38, 1-based): chr13:32,346,842, G>T. VCF-style: chr13-32346842-G-T. GRCh37 (hg19) VCF-style: chr13-32920979-G-T.
Other names: c.6857G>T, p.Arg2286Leu (NM_001406719.1); c.6953G>T, p.Arg2318Leu (NM_001406720.1, NM_001432077.1); c.2021G>T, p.Arg674Leu (NM_001406721.1); c.536G>T, p.Arg179Leu (NM_001406722.1); short protein forms R179L, R2286L, R2318L, R674L.
Identifiers: ClinVar variation 3482062 (VCV003482062.1).
Genomic context (GRCh38, chr13:32,346,842, plus strand): 5'-TCTTAGATTTTAACTAATATGTAATATAAAATAATTGTTTCCTAGGCACAATAAAAGATC[G>T]AAGATTGTTTATGCATCATGTTTCTTTAGAGCCGATTACCTGTGTACCCTTTCGGTAAGA-3'
Protein context (NP_000050.3, residues 2308-2328): KSTPDGTIKD[Arg2318Leu]RLFMHHVSLE

ClinVar aggregate classification (germline): Uncertain significance (1 of 4 stars; one submission).

Conditions:
Hereditary cancer-predisposing syndrome. Also called: Tumor predisposition; Neoplastic Syndromes, Hereditary; Hereditary Cancer Syndrome; Hereditary neoplastic syndrome. Identifiers: Orphanet 140162, MedGen C0027672, MeSH D009386, MONDO:0015356.

Submission:

Ambry Genetics
Classification: Uncertain significance for Hereditary cancer-predisposing syndrome. Last evaluated: 2024-09-04. Review status: criteria provided, single submitter. Criteria: Ambry Variant Classification Scheme 2023. Collection method: clinical testing. Allele origin: germline.
Comment: The p.R2318L variant (also known as c.6953G>T), located in coding exon 12 of the BRCA2 gene, results from a G to T substitution at nucleotide position 6953. The arginine at codon 2318 is replaced by leucine, an amino acid with dissimilar properties. One mESC-based functional study suggests that this variant is deleterious, however, additional evidence is needed to confirm this finding (Sahu S et al. PLoS Genet. 2023 Sep;19(9):e1010940). This amino acid position is highly conserved in available vertebrate species. In addition, this alteration is predicted to be deleterious by in silico analysis. Based on the available evidence, the clinical significance of this variant remains unclear.

Literature cited by the submitters: PubMed 37713444.